The following is an entry in ClinVar:

ClinVar aggregate classification (germline): Conflicting classifications of pathogenicity. Review status: criteria provided, conflicting classifications (1 of 4 stars). 4 submissions from 4 submitters: Uncertain significance (3); Likely benign (1). Last evaluated 2026-07-01.

Conditions:
Myopathy, myofibrillar, 9, with early respiratory failure (MFM9). Also called: Hereditary myopathy with early respiratory failure; EDSTROM MYOPATHY; MYOPATHY, PROXIMAL, WITH EARLY RESPIRATORY MUSCLE INVOLVEMENT; Myopathy, distal, with early respiratory failure, autosomal dominant. Identifiers: Orphanet 178464, Orphanet 34521, MedGen C1863599, MONDO:0011362, OMIM 603689.
Tibial muscular dystrophy (TMD). Also called: Tibial muscular dystrophy, tardive; UDD MYOPATHY; Udd Distal Myopathy – Tibial Muscular Dystrophy. Identifiers: Orphanet 609, MedGen C1838244, MONDO:0010870, OMIM 600334.
Autosomal recessive limb-girdle muscular dystrophy type 2J (LGMDR10). Also called: Limb-girdle muscular dystrophy, type 2J; MUSCULAR DYSTROPHY, LIMB-GIRDLE, AUTOSOMAL RECESSIVE 10. Identifiers: Orphanet 140922, MedGen C1837342, MONDO:0012127, OMIM 608807.
Dilated cardiomyopathy 1G (CMD1G). Identifiers: Orphanet 154, MedGen C1858763, MONDO:0011400, OMIM 604145.
Hypertrophic cardiomyopathy 9. Also called: Familial hypertrophic cardiomyopathy 9. Identifiers: MedGen C1861065, MONDO:0013412, OMIM 613765.
Early-onset myopathy with fatal cardiomyopathy (CMYO5). Also called: Salih Myopathy; CONGENITAL MYOPATHY 5 WITH CARDIOMYOPATHY. Identifiers: Orphanet 289377, MedGen C2673677, MONDO:0012714, OMIM 611705. Disease mechanism: loss of function.
Primary dilated cardiomyopathy (DCM). Also called: Dilated Cardiomyopathy. Identifiers: Orphanet 217604, MedGen C0007193, MeSH D002311, MONDO:0005021, HP:0001644. Inheritance: Various modes of inheritance.

Allele frequency attached by ClinVar (database versions not stated): gnomAD exomes 0.00004 and 0.00006; ExAC 0.00005; TOPMed 0.00005; gnomAD 0.00006; ESP Exome Variant Server 0.00032.

Submissions (4):

CeGaT Center for Human Genetics Tuebingen
Classification: Uncertain significance. Last evaluated: 2026-07-01. Review status: criteria provided, single submitter. Criteria: CeGaT Center For Human Genetics Tuebingen Variant Classification Criteria Version 2. Collection method: clinical testing. Allele origin: germline. Affected: yes. Observed: 5 variant alleles.
Comment: TTN: PVS1:Supporting

Blueprint Genetics
Classification: Likely benign. Last evaluated: 2024-11-22. Review status: criteria provided, single submitter. Criteria: ACMG Guidelines, 2015. Collection method: clinical testing. Allele origin: germline.

Fulgent Genetics
Classification: Uncertain significance for Tibial muscular dystrophy; Myopathy, myofibrillar, 9, with early respiratory failure; Dilated cardiomyopathy 1G; Autosomal recessive limb-girdle muscular dystrophy type 2J; Early-onset myopathy with fatal cardiomyopathy; Hypertrophic cardiomyopathy 9. Last evaluated: 2021-09-21. Review status: criteria provided, single submitter. Criteria: ACMG Guidelines, 2015. Collection method: clinical testing. Allele origin: unknown.

Cardiovascular Biomedical Research Unit, Royal Brompton & Harefield NHS Foundation Trust
Classification: Uncertain significance for Primary dilated cardiomyopathy. Last evaluated: 2014-10-08. Review status: criteria provided, single submitter. Criteria: Roberts et al. 2015. Collection method: research. Allele origin: germline. Inheritance: Autosomal dominant inheritance. Affected: no. Observed: 1 variant allele. Study: FHS cohort.
Comment: It affects only the Novex-3 isoform, which does not span the sarcomere and has not been implicated in DCM. In the seven cohorts assessed, TTNtv were found in 14% of ambulant DCM, 22% end-stage or familial DCM, and 2% controls. Heterozygous nonsense, frameshift and canonical splice-disrupting variants found in constitutive and other highly utilised exons are highly likely to be pathogenic when identified in individuals with phenotypically confirmed DCM. TTNtv found incidentally in healthy individuals (excluding familial assessment of DCM relatives) are thought to have low penetrance, particularly when identified in exons that are not constitutively expressed in the heart.

NM_133379.5(TTN):c.13939del (p.Glu4647fs)

Gene: TTN (titin; minus strand). Cytogenetic location: 2q31.2.
Variant type: Deletion.
Coding change: c.13939del on transcript NM_133379.5; coding-DNA position 13939, one base deleted (G; older notation c.13939delG).
Protein change: p.Glu4647fs; shifts the reading frame from glutamic acid 4647.
Molecular consequence: frameshift variant. On other transcripts: intron variant (6).
Genome position (GRCh38, 1-based): chr2:178,748,461, C deleted on the plus strand (G on the coding strand, the reverse complement: TTN is on the minus strand). VCF-style (leftmost placement, unchanged base first): chr2-178748460-TC-T. GRCh37 (hg19) VCF-style: chr2-179613187-TC-T.
Other names: c.13939del (LRG_391t2); c.10222+4663del (NM_003319.4); c.10798+4663del (NM_133437.4); c.10597+4663del (NM_133432.3); c.10360+4663del (NM_133378.4, NM_001256850.1); c.11311+4663del (NM_001267550.2); short protein forms E4647fs.
Identifiers: ClinVar variation 222870 (VCV000222870.38), dbSNP rs781363456, ClinGen allele CA088389.